The following is an entry in ClinVar:

ClinVar aggregate classification (germline): Uncertain significance. Review status: criteria provided, multiple submitters, no conflicts (2 of 4 stars). 2 submissions from 2 submitters: Uncertain significance (2). Last evaluated 2024-06-07.

Allele frequency attached by ClinVar (database versions not stated): gnomAD exomes below 0.00001.
gnomAD v4.1: 1 of 1,613,392 alleles (0.000062%); highest among the groups gnomAD compares: Non-Finnish European, 0.000085%; no homozygotes.

Submissions (2):

GeneDx
Classification: Uncertain significance. Last evaluated: 2024-06-07. Review status: criteria provided, single submitter. Criteria: GeneDx Variant Classification Process June 2021. Collection method: clinical testing. Allele origin: germline. Affected: yes.
Comment: Has not been previously published as pathogenic or benign to our knowledge; Not observed at significant frequency in large population cohorts (gnomAD); Not located in the triple helical region, where the majority of pathogenic missense variants occur (HGMD; PMID: 25240749); In silico analysis supports that this missense variant has a deleterious effect on protein structure/function; This variant is associated with the following publications: (PMID: 25240749)

Labcorp Genetics (formerly Invitae), Labcorp
Classification: Uncertain significance. Last evaluated: 2022-05-30. Review status: criteria provided, single submitter. Criteria: Invitae Variant Classification Sherloc (09022015). Collection method: clinical testing. Allele origin: germline.
Comment: Advanced modeling of protein sequence and biophysical properties (such as structural, functional, and spatial information, amino acid conservation, physicochemical variation, residue mobility, and thermodynamic stability) performed at Invitae indicates that this missense variant is not expected to disrupt COL11A1 protein function. This variant has not been reported in the literature in individuals affected with COL11A1-related conditions. This variant is not present in population databases (gnomAD no frequency). This sequence change replaces isoleucine, which is neutral and non-polar, with threonine, which is neutral and polar, at codon 197 of the COL11A1 protein (p.Ile197Thr). In summary, the available evidence is currently insufficient to determine the role of this variant in disease. Therefore, it has been classified as a Variant of Uncertain Significance.

NM_001854.4(COL11A1):c.590T>C (p.Ile197Thr)

Gene: COL11A1 (collagen type XI alpha 1 chain; minus strand). Cytogenetic location: 1p21.1.
Variant type: single nucleotide variant.
Coding change: c.590T>C on transcript NM_001854.4 (MANE Select); coding-DNA position 590, T replaced by C.
Protein change: p.Ile197Thr; replaces isoleucine 197 with threonine.
Molecular consequence: missense variant. On other transcripts: non-coding transcript variant (1).
Genome position (GRCh38, 1-based): chr1:103,074,679, A>G on the plus strand (T>C on the coding strand, the complement: COL11A1 is on the minus strand). VCF-style: chr1-103074679-A-G. GRCh37 (hg19) VCF-style: chr1-103540235-A-G.
Other names: c.590T>C (NM_001854.3); c.590T>C, p.Ile197Thr (NM_001168249.1, NM_001190709.2, NM_080629.3 and 1 more transcripts); short protein forms I197T.
Identifiers: ClinVar variation 2001029 (VCV002001029.5), dbSNP rs2526145257, ClinGen allele CA341166310.